The following is an entry in ClinVar:

NM_001370259.2(MEN1):c.165_166dup (p.Thr56fs)

Gene: MEN1 (menin 1; minus strand). Cytogenetic location: 11q13.1.
Variant type: Duplication.
Coding change: c.165_166dup on transcript NM_001370259.2 (MANE Select); coding-DNA positions 165 to 166, 2 bases duplicated (TA; older notation c.165_166dupTA).
Protein change: p.Thr56fs; shifts the reading frame from threonine 56.
Molecular consequence: frameshift variant. On other transcripts: non-coding transcript variant (4).
Genome position (GRCh38, 1-based): chr11:64,809,944-64,809,945, TA duplicated on the plus strand (TA on the coding strand, the reverse complement: MEN1 is on the minus strand). VCF-style (leftmost placement, unchanged base first): chr11-64809943-G-GTA. GRCh37 (hg19) VCF-style: chr11-64577415-G-GTA.
Other names: c.165_166dup, p.Thr56fs (NM_000244.4, NM_001370251.2, NM_001370260.2 and 20 more transcripts); short protein forms T56fs.
Identifiers: ClinVar variation 3662684 (VCV003662684.2).
Genomic context (GRCh38, chr11:64,809,943, plus strand): 5'-GTGAGGCCGCCAGGCGGGTCGGGGGCGGGGCTGGGCTGGAAGGTGAGCTCGGGAACGTTG[G>GTA]TAGGGATGACGCGGTTGACAGCCAGAAAATGCTCCACGAAGCCCAGCACCAAGGAAAGGA-3'

ClinVar aggregate classification (germline): Pathogenic (1 of 4 stars; one submission).

Conditions:
Multiple endocrine neoplasia, type 1 (MEN1). Also called: MEN I; WERMER SYNDROME; Endocrine adenomatosis multiple; MEN 1; MEA I. Identifiers: Orphanet 652, MedGen C0025267, MeSH D018761, MONDO:0007540, OMIM 131100.

Submission:

Labcorp Genetics (formerly Invitae), Labcorp
Classification: Pathogenic for Multiple endocrine neoplasia, type 1. Last evaluated: 2024-08-17. Review status: criteria provided, single submitter. Criteria: Invitae Variant Classification Sherloc (09022015). Collection method: clinical testing. Allele origin: germline.
Comment: This sequence change creates a premature translational stop signal (p.Thr56Ilefs*64) in the MEN1 gene. It is expected to result in an absent or disrupted protein product. Loss-of-function variants in MEN1 are known to be pathogenic (PMID: 12112656, 17853334). This variant is not present in population databases (gnomAD no frequency). This variant has not been reported in the literature in individuals affected with MEN1-related conditions. For these reasons, this variant has been classified as Pathogenic.

Literature cited by the submitters: PubMed 12112656; PubMed 17853334.